The following is an entry in ClinVar:

ClinVar aggregate classification (germline): Benign/Likely benign. Review status: criteria provided, multiple submitters, no conflicts (2 of 4 stars). 3 submissions from 3 submitters: Benign (1); Likely benign (2). Last evaluated 2026-02-02.

Conditions:
Retinitis pigmentosa (RP). Identifiers: Orphanet 791, MedGen C0035334, MeSH D012174, MONDO:0019200, OMIM 268000. Inheritance: Autosomal dominant, autosomal recessive and X linked inheritance.

Allele frequency attached by ClinVar (database versions not stated): gnomAD exomes 0.00209 and 0.00542; ExAC 0.00685; 1000 Genomes Project 0.02017; 1000 Genomes Project 30x 0.02092; gnomAD 0.02159 and 0.02326; ESP Exome Variant Server 0.02453; TOPMed 0.02461.
gnomAD v4.1: 6,440 of 1,612,754 alleles (0.4%); highest among the groups gnomAD compares: African/African-American, 7.8%; 240 homozygotes.

Submissions (3):

Labcorp Genetics (formerly Invitae), Labcorp
Classification: Benign. Last evaluated: 2026-02-02. Review status: criteria provided, single submitter. Criteria: Invitae Variant Classification Sherloc (09022015). Collection method: clinical testing. Allele origin: germline.

Illumina Laboratory Services, Illumina
Classification: Likely benign for Retinitis pigmentosa. Last evaluated: 2018-01-12. Review status: criteria provided, single submitter. Criteria: ICSL Variant Classification Criteria 13 December 2019. Collection method: clinical testing. Allele origin: germline.
Comment: This variant was observed in the ICSL laboratory as part of a predisposition screen in an ostensibly healthy population. It had not been previously curated by ICSL or reported in the Human Gene Mutation Database (HGMD: prior to June 1st, 2018), and was therefore a candidate for classification through an automated scoring system. Utilizing variant allele frequency, disease prevalence and penetrance estimates, and inheritance mode, an automated score was calculated to assess if this variant is too frequent to cause the disease. Based on the score and internal cut-off values, a variant classified as likely benign is not then subjected to further curation. The score for this variant resulted in a classification of likely benign for this disease.

Breakthrough Genomics
Classification: Likely benign. Review status: criteria provided, single submitter. Criteria: ACMG Guidelines, 2015. Collection method: not provided. Allele origin: germline. Inheritance: Autosomal recessive inheritance. Affected: yes.

NM_144631.6(ZNF513):c.1164C>T (p.Phe388=)

Gene: ZNF513 (zinc finger protein 513; minus strand). Cytogenetic location: 2p23.3.
Variant type: single nucleotide variant.
Coding change: c.1164C>T on transcript NM_144631.6 (MANE Select); coding-DNA position 1164, C replaced by T.
Protein change: p.Phe388=; no amino-acid change (phenylalanine 388 retained).
Molecular consequence: synonymous variant.
Genome position (GRCh38, 1-based): chr2:27,378,007, G>A on the plus strand (C>T on the coding strand, the complement: ZNF513 is on the minus strand). VCF-style: chr2-27378007-G-A. GRCh37 (hg19) VCF-style: chr2-27600874-G-A.
Other names: c.978C>T, p.Phe326= (NM_001201459.2).
Identifiers: ClinVar variation 775707 (VCV000775707.15), dbSNP rs61735110, ClinGen allele CA1577848.